The following is an entry in ClinVar:

ClinVar aggregate classification (germline): Benign/Likely benign. Review status: criteria provided, multiple submitters, no conflicts (2 of 4 stars). 5 submissions from 5 submitters: Benign (1); Likely benign (4). Last evaluated 2026-01-14.

Conditions:
ALG11-congenital disorder of glycosylation. Also called: CONGENITAL DISORDER OF GLYCOSYLATION, TYPE Ip; ALG11-CDG. Identifiers: Orphanet 280071, MedGen C3150913, MONDO:0013349, OMIM 613661.

Allele frequency attached by ClinVar (database versions not stated): gnomAD exomes 0.00029 and 0.00086; ExAC 0.00101; gnomAD 0.00340 and 0.00365; TOPMed 0.00376; ESP Exome Variant Server 0.00377; 1000 Genomes Project 30x 0.00453; 1000 Genomes Project 0.00479.
gnomAD v4.1: 980 of 1,614,066 alleles (0.061%); highest among the groups gnomAD compares: African/African-American, 1.1%; 8 homozygotes.

Submissions (5):

Labcorp Genetics (formerly Invitae), Labcorp
Classification: Benign for ALG11-congenital disorder of glycosylation. Last evaluated: 2026-01-14. Review status: criteria provided, single submitter. Criteria: Invitae Variant Classification Sherloc (09022015). Collection method: clinical testing. Allele origin: germline.

CeGaT Center for Human Genetics Tuebingen
Classification: Likely benign. Last evaluated: 2025-03-01. Review status: criteria provided, single submitter. Criteria: CeGaT Center For Human Genetics Tuebingen Variant Classification Criteria Version 2. Collection method: clinical testing. Allele origin: germline. Affected: yes. Observed: 1 variant allele.
Comment: ALG11: BP4, BS1

GeneDx
Classification: Likely benign. Last evaluated: 2018-03-05. Review status: criteria provided, single submitter. Criteria: GeneDx Variant Classification (06012015). Collection method: clinical testing. Allele origin: germline. Affected: yes.
Comment: This variant is considered likely benign or benign based on one or more of the following criteria: it is a conservative change, it occurs at a poorly conserved position in the protein, it is predicted to be benign by multiple in silico algorithms, and/or has population frequency not consistent with disease.

Center for Pediatric Genomic Medicine, Children's Mercy Hospital and Clinics
Classification: Likely benign. Last evaluated: 2016-04-25. Review status: criteria provided, single submitter. Criteria: ACMG Guidelines, 2015. Collection method: clinical testing. Allele origin: germline.
ClinVar note: Converted during submission from Likely Benign to Likely benign.

Breakthrough Genomics
Classification: Likely benign. Review status: criteria provided, single submitter. Criteria: ACMG Guidelines, 2015. Collection method: not provided. Allele origin: germline. Inheritance: Autosomal recessive inheritance. Affected: yes.

NM_001004127.3(ALG11):c.173A>T (p.Asn58Ile)

Gene: ALG11 (ALG11 alpha-1,2-mannosyltransferase; plus strand). Cytogenetic location: 13q14.3.
Variant type: single nucleotide variant.
Coding change: c.173A>T on transcript NM_001004127.3 (MANE Select); coding-DNA position 173, A replaced by T.
Protein change: p.Asn58Ile; replaces asparagine 58 with isoleucine.
Molecular consequence: missense variant.
Genome position (GRCh38, 1-based): chr13:52,019,041, A>T. VCF-style: chr13-52019041-A-T. GRCh37 (hg19) VCF-style: chr13-52593177-A-T.
Other names: short protein forms N58I.
Identifiers: ClinVar variation 235377 (VCV000235377.22), dbSNP rs150818619, ClinGen allele CA6989841.